The following is an entry in ClinVar:

NM_002769.5(PRSS1):c.611T>C (p.Val204Ala)

Genes: TRB (T cell receptor beta locus; plus strand), PRSS1 (serine protease 1; plus strand). Cytogenetic location: 7q34.
Variant type: single nucleotide variant.
Coding change: c.611T>C on transcript NM_002769.5 (MANE Select); coding-DNA position 611, T replaced by C.
Protein change: p.Val204Ala; replaces valine 204 with alanine.
Molecular consequence: missense variant. On other transcripts: non-coding transcript variant (5).
Genome position (GRCh38, 1-based): chr7:142,752,887, T>C. VCF-style: chr7-142752887-T-C. GRCh37 (hg19) VCF-style: chr7-142460738-T-C.
Other names: short protein forms V204A.
Identifiers: ClinVar variation 4751837 (VCV004751837.1).
Genomic context (GRCh38, chr7:142,752,887, plus strand): 5'-TCCTCCATCTCTCCATACAACTTGTCCCTTCTTCCCCCCAGGGTGATTCTGGTGGCCCTG[T>C]GGTCTGCAATGGACAGCTCCAAGGAGTTGTCTCCTGGGGTGATGGCTGTGCCCAGAAGAA-3'
Protein context (NP_002760.1, residues 194-214): DSCQGDSGGP[Val204Ala]VCNGQLQGVV

ClinVar aggregate classification (germline): Uncertain significance (1 of 4 stars; one submission).

Conditions:
Hereditary pancreatitis (PCTT). Also called: Hereditary chronic pancreatitis; PRSS1-Related Hereditary Pancreatitis. Identifiers: Orphanet 676, MedGen C0238339, MONDO:0008185, OMIM 167800.

Submission:

Labcorp Genetics (formerly Invitae), Labcorp
Classification: Uncertain significance for Hereditary pancreatitis. Last evaluated: 2025-04-11. Review status: criteria provided, single submitter. Criteria: Invitae Variant Classification Sherloc (09022015). Collection method: clinical testing. Allele origin: germline.
Comment: This sequence change replaces valine, which is neutral and non-polar, with alanine, which is neutral and non-polar, at codon 204 of the PRSS1 protein (p.Val204Ala). The frequency data for this variant in the population databases is considered unreliable, as metrics indicate poor data quality at this position in the gnomAD database. This variant has not been reported in the literature in individuals affected with PRSS1-related conditions. Invitae Evidence Modeling of protein sequence and biophysical properties (such as structural, functional, and spatial information, amino acid conservation, physicochemical variation, residue mobility, and thermodynamic stability) indicates that this missense variant is not expected to disrupt PRSS1 protein function with a negative predictive value of 80%. In summary, the available evidence is currently insufficient to determine the role of this variant in disease. Therefore, it has been classified as a Variant of Uncertain Significance.